The following is an entry in ClinVar:

ClinVar aggregate classification (germline): Uncertain significance (1 of 4 stars; one submission).

Conditions:
Myasthenic syndrome, congenital, 22 (CMS22). Also called: PREPL DEFICIENCY. Identifiers: MedGen C4479088, MONDO:0044299, OMIM 616224.

Allele frequency attached by ClinVar (database versions not stated): TOPMed 0.00001.

Submission:

Labcorp Genetics (formerly Invitae), Labcorp
Classification: Uncertain significance for Myasthenic syndrome, congenital, 22. Last evaluated: 2019-04-02. Review status: criteria provided, single submitter. Criteria: Invitae Variant Classification Sherloc (09022015). Collection method: clinical testing. Allele origin: germline.
Comment: In summary, the available evidence is currently insufficient to determine the role of this variant in disease. Therefore, it has been classified as a Variant of Uncertain Significance. Algorithms developed to predict the effect of missense changes on protein structure and function (SIFT, PolyPhen-2, Align-GVGD) all suggest that this variant is likely to be disruptive, but these predictions have not been confirmed by published functional studies and their clinical significance is uncertain. This variant has not been reported in the literature in individuals with PREPL-related conditions. This variant is not present in population databases (ExAC no frequency). This sequence change replaces leucine with valine at codon 225 of the PREPL protein (p.Leu225Val). The leucine residue is highly conserved and there is a small physicochemical difference between leucine and valine.

NM_001171613.2(PREPL):c.406C>G (p.Leu136Val)

Gene: PREPL (prolyl endopeptidase like; minus strand). Cytogenetic location: 2p21.
Variant type: single nucleotide variant.
Coding change: c.406C>G on transcript NM_001171613.2 (MANE Select); coding-DNA position 406, C replaced by G.
Protein change: p.Leu136Val; replaces leucine 136 with valine.
Molecular consequence: missense variant.
Genome position (GRCh38, 1-based): chr2:44,342,496, G>C on the plus strand (C>G on the coding strand, the complement: PREPL is on the minus strand). VCF-style: chr2-44342496-G-C. GRCh37 (hg19) VCF-style: chr2-44569635-G-C.
Other names: c.673C>G, p.Leu225Val (NM_006036.4, NM_001042385.2, NM_001042386.2 and 4 more transcripts); c.406C>G, p.Leu136Val (NM_001171617.1, NM_001374277.1); short protein forms L136V, L225V.
Identifiers: ClinVar variation 856592 (VCV000856592.7), dbSNP rs1675332243, ClinGen allele CA346692876.